The following is an entry in ClinVar:

NM_001365631.1(CLASP2):c.6G>A (p.Glu2=)

Genes: CLASP2 (cytoplasmic linker associated protein 2; minus strand), LOC129936446 (ATAC-STARR-seq lymphoblastoid silent region 14191; plus strand). Cytogenetic location: 3p22.3.
Variant type: single nucleotide variant.
Coding change: c.6G>A on transcript NM_001365631.1 (MANE Select); coding-DNA position 6, G replaced by A.
Protein change: p.Glu2=; no amino-acid change (glutamic acid 2 retained).
Molecular consequence: synonymous variant. On other transcripts: 5 prime UTR variant (1).
Genome position (GRCh38, 1-based): chr3:33,717,997, C>T on the plus strand (G>A on the coding strand, the complement: CLASP2 is on the minus strand). VCF-style: chr3-33717997-C-T. GRCh37 (hg19) VCF-style: chr3-33759489-C-T.
Other names: c.6G>A, p.Glu2= (NM_001365627.1, NM_001365628.1, NM_001365629.1 and 13 more transcripts); c.-213G>A (NM_001375713.1).
Identifiers: ClinVar variation 3042518 (VCV003042518.2), dbSNP rs936774619, ClinGen allele CA73063363.

ClinVar aggregate classification (germline): Likely benign (0 of 4 stars; one submission).

Conditions:
CLASP2-related disorder. Also called: CLASP2-related condition.

Allele frequency attached by ClinVar (database versions not stated): TOPMed 0.00012; gnomAD exomes 0.00013; gnomAD 0.00019.
gnomAD v4.1: 211 of 1,481,356 alleles (0.014%); highest among the groups gnomAD compares: Middle Eastern, 0.022%; no homozygotes.

Submission:

PreventionGenetics, part of Exact Sciences
Classification: Likely benign for CLASP2-related condition. Last evaluated: 2019-06-21. Review status: no assertion criteria provided. Collection method: clinical testing. Allele origin: germline.
Comment: This variant is classified as likely benign based on ACMG/AMP sequence variant interpretation guidelines (Richards et al. 2015 PMID: 25741868, with internal and published modifications).